The following is an entry in ClinVar:

ClinVar aggregate classification (germline): Conflicting classifications of pathogenicity. Review status: criteria provided, conflicting classifications (1 of 4 stars). 6 submissions from 6 submitters: Likely pathogenic (1); Uncertain significance (4). 1 of the submissions does not count toward it. Last evaluated 2024-09-23.

Conditions:
Hereditary breast ovarian cancer syndrome. Also called: Breast and ovarian cancer; Hereditary breast and ovarian cancer; Hereditary breast and ovarian cancer syndrome; Hereditary breast and/or ovarian cancer syndrome; BRCA1- and BRCA2-Associated Hereditary Breast and Ovarian Cancer; Hereditary breast and ovarian cancer syndrome (HBOC). Identifiers: Orphanet 145, MedGen C0677776, MeSH D061325, MONDO:0003582. Disease mechanism: loss of function.
Breast-ovarian cancer, familial, susceptibility to, 1 (BROVCA1). Also called: BRCA1 Hereditary Breast and Ovarian Cancer; OVARIAN CANCER, SUSCEPTIBILITY TO. Identifiers: Orphanet 145, MedGen C2676676, MONDO:0011450, OMIM 604370. Disease mechanism: loss of function.
Fanconi anemia, complementation group S (FANCS). Identifiers: MedGen C4554406, MONDO:0054748, OMIM 617883.

Allele frequency attached by ClinVar (database versions not stated): ExAC 0.00002; TOPMed 0.00002; 1000 Genomes Project 30x 0.00047; 1000 Genomes Project 0.00060.
gnomAD v4.1: 12 of 1,612,226 alleles (0.00074%); highest among the groups gnomAD compares: African/African-American, 0.0013%; no homozygotes.

Submissions (6):

GeneDx
Classification: Uncertain significance. Last evaluated: 2024-09-23. Review status: criteria provided, single submitter. Criteria: GeneDx Variant Classification Process June 2021. Collection method: clinical testing. Allele origin: germline. Affected: yes.
Comment: Not observed at significant frequency in large population cohorts (gnomAD); Nucleotide substitution has no predicted effect on splicing and is not conserved across species; Located in a regulatory region; in the absence of functional studies, the actual effect of this sequence change is unknown; Observed in an individual with breast cancer and not observed among controls (PMID: 22753153); This variant is associated with the following publications: (PMID: 26332594, Brewster[Abstract]2012, 22753153)

Mendelics
Classification: Uncertain significance for Breast-ovarian cancer, familial, susceptibility to, 1. Last evaluated: 2019-05-28. Review status: criteria provided, single submitter. Criteria: Mendelics Assertion Criteria 2017. Collection method: clinical testing. Allele origin: unknown.

Illumina Laboratory Services, Illumina
Classification: Uncertain significance for Breast-ovarian cancer, familial, susceptibility to, 1. Last evaluated: 2017-04-28. Review status: criteria provided, single submitter. Criteria: ICSL Variant Classification Criteria 13 December 2019. Collection method: clinical testing. Allele origin: germline.
Comment: This variant was observed as part of a predisposition screen in an ostensibly healthy population. A literature search was performed for the gene, cDNA change, and amino acid change (where applicable). Publications were found based on this search. However, the evidence from the literature, in combination with allele frequency data from public databases where available, was not sufficient to rule this variant in or out of causing disease. Therefore, this variant is classified as a variant of unknown significance.

Labcorp Genetics (formerly Invitae), Labcorp
Classification: Uncertain significance for Hereditary breast ovarian cancer syndrome. Last evaluated: 2015-10-28. Review status: criteria provided, single submitter. Criteria: Invitae Variant Classification Sherloc (09022015). Collection method: clinical testing. Allele origin: germline.

Department of Pathology and Laboratory Medicine, Sinai Health System
Classification: Likely pathogenic for Fanconi anemia, complementation group S. Review status: criteria provided, single submitter. Criteria: ACMG Guidelines, 2015. Collection method: clinical testing. Allele origin: germline.

BRCAlab, Lund University
Classification: Uncertain significance for Breast-ovarian cancer, familial, susceptibility to, 1. Last evaluated: 2020-03-02. Review status: no assertion criteria provided. Collection method: clinical testing. Allele origin: germline. Affected: yes. Not counted in ClinVar's aggregate classification.

Literature cited by the submitters: PubMed 22753153 (cited by Illumina Laboratory Services, Illumina); PubMed 26332594 (cited by Illumina Laboratory Services, Illumina).

NM_007294.4(BRCA1):c.*58C>T

Gene: BRCA1 (BRCA1 DNA repair associated; minus strand). Cytogenetic location: 17q21.31.
Variant type: single nucleotide variant.
Coding change: c.*58C>T on transcript NM_007294.4 (MANE Select); 58 bases downstream of the stop codon, C replaced by T.
Molecular consequence: 3 prime UTR variant. On other transcripts: non-coding transcript variant (1).
Genome position (GRCh38, 1-based): chr17:43,045,620, G>A on the plus strand (C>T on the coding strand, the complement: BRCA1 is on the minus strand). VCF-style: chr17-43045620-G-A. GRCh37 (hg19) VCF-style: chr17-41197637-G-A.
Other names: c.*58C>T (NM_001407571.1, NM_001407581.1, NM_001407582.1 and 348 more transcripts); c.*164C>T (NM_001407854.1, NM_001407858.1, NM_001407859.1 and 14 more transcripts).
Identifiers: ClinVar variation 220816 (VCV000220816.13), dbSNP rs137892861, ClinGen allele CA056475.
Genomic context (GRCh38, chr17:43,045,620, plus strand): 5'-TTTAGTAGCCAGGACAGTAGAAGGACTGAAGAGTGAGAGGAGCTCCCAGGGCCTGGAAAG[G>A]CCACTTTGTAAGCTCATTCTTGGGGTCCTGTGGCTCTGTACCTGTGGCTGGCTGCAGTCA-3'